The following is an entry in ClinVar:

ClinVar aggregate classification (germline): Benign/Likely benign. Review status: criteria provided, multiple submitters, no conflicts (2 of 4 stars). 5 submissions from 5 submitters: Benign (2); Likely benign (3). Last evaluated 2026-09-01.

Allele frequency attached by ClinVar (database versions not stated): 1000 Genomes Project 30x 0.00422; 1000 Genomes Project 0.00439; ESP Exome Variant Server 0.00461; gnomAD 0.00555 and 0.00563; gnomAD exomes 0.00565 and 0.00578; ExAC 0.00571; TOPMed 0.00648.
gnomAD v4.1: 9,286 of 1,611,776 alleles (0.58%); highest among the groups gnomAD compares: Middle Eastern, 2.8%; 46 homozygotes.

Submissions (5):

CeGaT Center for Human Genetics Tuebingen
Classification: Likely benign. Last evaluated: 2026-09-01. Review status: criteria provided, single submitter. Criteria: CeGaT Center For Human Genetics Tuebingen Variant Classification Criteria Version 2. Collection method: clinical testing. Allele origin: germline. Affected: yes. Observed: 22 variant alleles.
Comment: NEFH: BP4, BP7, BS2

Labcorp Genetics (formerly Invitae), Labcorp
Classification: Benign. Last evaluated: 2026-02-03. Review status: criteria provided, single submitter. Criteria: Invitae Variant Classification Sherloc (09022015). Collection method: clinical testing. Allele origin: germline.

Mayo Clinic Laboratories, Mayo Clinic
Classification: Benign. Last evaluated: 2023-02-10. Review status: criteria provided, single submitter. Criteria: ACMG Guidelines, 2015. Collection method: clinical testing. Allele origin: germline. Observed: 18 variant alleles.
Comment: BS1, BS2, BP4, BP7

GeneDx
Classification: Likely benign. Last evaluated: 2021-04-26. Review status: criteria provided, single submitter. Criteria: GeneDx Variant Classification Process June 2021. Collection method: clinical testing. Allele origin: germline. Affected: yes.

Breakthrough Genomics
Classification: Likely benign. Review status: criteria provided, single submitter. Criteria: ACMG Guidelines, 2015. Collection method: not provided. Allele origin: germline. Inheritance: Autosomal recessive inheritance. Affected: yes.

NM_021076.4(NEFH):c.2757C>T (p.Asp919=)

Gene: NEFH (neurofilament heavy chain; plus strand). Cytogenetic location: 22q12.2.
Variant type: single nucleotide variant.
Coding change: c.2757C>T on transcript NM_021076.4 (MANE Select); coding-DNA position 2757, C replaced by T.
Protein change: p.Asp919=; no amino-acid change (aspartic acid 919 retained).
Molecular consequence: synonymous variant.
Genome position (GRCh38, 1-based): chr22:29,490,397, C>T. VCF-style: chr22-29490397-C-T. GRCh37 (hg19) VCF-style: chr22-29886386-C-T.
Other names: p.Asp919=.
Identifiers: ClinVar variation 774539 (VCV000774539.39), dbSNP rs56200920, ClinGen allele CA10174485.